The following is an entry in ClinVar:

ClinVar aggregate classification (germline): Uncertain significance. Review status: criteria provided, multiple submitters, no conflicts (2 of 4 stars). 3 submissions from 3 submitters: Uncertain significance (3). Last evaluated 2025-05-22.

Conditions:
Hereditary cancer-predisposing syndrome. Also called: Hereditary Cancer Syndrome; Tumor predisposition; Neoplastic Syndromes, Hereditary; Hereditary neoplastic syndrome. Identifiers: Orphanet 140162, MedGen C0027672, MeSH D009386, MONDO:0015356.

Submissions (3):

Labcorp Genetics (formerly Invitae), Labcorp
Classification: Uncertain significance. Last evaluated: 2025-05-22. Review status: criteria provided, single submitter. Criteria: Invitae Variant Classification Sherloc (09022015). Collection method: clinical testing. Allele origin: germline.
Comment: This sequence change replaces aspartic acid, which is acidic and polar, with asparagine, which is neutral and polar, at codon 268 of the POLE protein (p.Asp268Asn). This variant is not present in population databases (gnomAD no frequency). This variant has not been reported in the literature in individuals affected with POLE-related conditions. ClinVar contains an entry for this variant (Variation ID: 864014). An algorithm developed to predict the effect of missense changes on protein structure and function (PolyPhen-2) suggests that this variant is likely to be disruptive. In summary, the available evidence is currently insufficient to determine the role of this variant in disease. Therefore, it has been classified as a Variant of Uncertain Significance.

Ambry Genetics
Classification: Uncertain significance for Hereditary cancer-predisposing syndrome. Last evaluated: 2022-06-01. Review status: criteria provided, single submitter. Criteria: Ambry Variant Classification Scheme 2023. Collection method: clinical testing. Allele origin: germline.
Comment: The p.D268N variant (also known as c.802G>A) is located in coding exon 9 of the POLE gene. The aspartic acid at codon 268 is replaced by asparagine, an amino acid with highly similar properties. This change occurs in the first base pair of coding exon 9. This amino acid position is conserved. In addition, this alteration is predicted to be tolerated by in silico analysis. Since supporting evidence is limited at this time, the clinical significance of this alteration remains unclear.

GeneDx
Classification: Uncertain significance. Last evaluated: 2020-02-07. Review status: criteria provided, single submitter. Criteria: GeneDx Variant Classification Process June 2021. Collection method: clinical testing. Allele origin: germline. Affected: yes.
Comment: Not observed in large population cohorts (Lek 2016); In silico analysis supports that this missense variant has a deleterious effect on protein structure/function; Has not been previously published as pathogenic or benign to our knowledge

NM_006231.4(POLE):c.802G>A (p.Asp268Asn)

Gene: POLE (DNA polymerase epsilon, catalytic subunit; minus strand). Cytogenetic location: 12q24.33.
Variant type: single nucleotide variant.
Coding change: c.802G>A on transcript NM_006231.4 (MANE Select); coding-DNA position 802, G replaced by A.
Protein change: p.Asp268Asn; replaces aspartic acid 268 with asparagine.
Molecular consequence: missense variant.
Genome position (GRCh38, 1-based): chr12:132,676,653, C>T on the plus strand (G>A on the coding strand, the complement: POLE is on the minus strand). VCF-style: chr12-132676653-C-T. GRCh37 (hg19) VCF-style: chr12-133253239-C-T.
Other names: short protein forms D268N.
Identifiers: ClinVar variation 864014 (VCV000864014.13), dbSNP rs2043060847, ClinGen allele CA387364386.